The following is an entry in ClinVar:

NM_006922.4(SCN3A):c.5133G>A (p.Trp1711Ter)

Gene: SCN3A (sodium voltage-gated channel alpha subunit 3; minus strand). Cytogenetic location: 2q24.3.
Variant type: single nucleotide variant.
Coding change: c.5133G>A on transcript NM_006922.4 (MANE Select); coding-DNA position 5133, G replaced by A.
Protein change: p.Trp1711Ter; replaces tryptophan 1711 with a stop codon.
Molecular consequence: nonsense.
Genome position (GRCh38, 1-based): chr2:165,091,020, C>T on the plus strand (G>A on the coding strand, the complement: SCN3A is on the minus strand). VCF-style: chr2-165091020-C-T. GRCh37 (hg19) VCF-style: chr2-165947530-C-T.
Other names: c.4986G>A, p.Trp1662Ter (NM_001081676.2, NM_001081677.2); short protein forms W1662*, W1711*.
Identifiers: ClinVar variation 3728504 (VCV003728504.2).
Genomic context (GRCh38, chr2:165,091,020, plus strand): 5'-AATTGTGTCAGGGTCACAGTCGGGTGGTGCACTATTAAGAATAGGTGCTAGCAATCCATC[C>T]CAGCCAGCAGAGGTTGTAATTTGGAACAAGCAGATCATGCTGTTGCCAAAGGTCTCAAAG-3'

ClinVar aggregate classification (germline): Uncertain significance (1 of 4 stars; one submission).

Submission:

Labcorp Genetics (formerly Invitae), Labcorp
Classification: Uncertain significance. Last evaluated: 2025-01-14. Review status: criteria provided, single submitter. Criteria: Invitae Variant Classification Sherloc (09022015). Collection method: clinical testing. Allele origin: germline.
Comment: This sequence change creates a premature translational stop signal (p.Trp1711*) in the SCN3A gene. While this is not anticipated to result in nonsense mediated decay, it is expected to disrupt the last 290 amino acid(s) of the SCN3A protein. This variant is not present in population databases (gnomAD no frequency). This variant has not been reported in the literature in individuals affected with SCN3A-related conditions. Experimental studies and prediction algorithms are not available or were not evaluated, and the functional significance of this variant is currently unknown. In summary, the available evidence is currently insufficient to determine the role of this variant in disease. Therefore, it has been classified as a Variant of Uncertain Significance.